The following is an entry in ClinVar:

ClinVar aggregate classification (germline): Uncertain significance (1 of 4 stars; one submission).

Submission:

Labcorp Genetics (formerly Invitae), Labcorp
Classification: Uncertain significance. Last evaluated: 2023-06-06. Review status: criteria provided, single submitter. Criteria: Invitae Variant Classification Sherloc (09022015). Collection method: clinical testing. Allele origin: germline.
Comment: This sequence change replaces histidine, which is basic and polar, with asparagine, which is neutral and polar, at codon 334 of the CNOT1 protein (p.His334Asn). This variant is not present in population databases (gnomAD no frequency). This variant has not been reported in the literature in individuals affected with CNOT1-related conditions. An algorithm developed to predict the effect of missense changes on protein structure and function (PolyPhen-2) suggests that this variant is likely to be tolerated. In summary, the available evidence is currently insufficient to determine the role of this variant in disease. Therefore, it has been classified as a Variant of Uncertain Significance.

NM_016284.5(CNOT1):c.1000C>A (p.His334Asn)

Gene: CNOT1 (CCR4-NOT transcription complex subunit 1; minus strand). Cytogenetic location: 16q21.
Variant type: single nucleotide variant.
Coding change: c.1000C>A on transcript NM_016284.5 (MANE Select); coding-DNA position 1000, C replaced by A.
Protein change: p.His334Asn; replaces histidine 334 with asparagine.
Molecular consequence: missense variant. On other transcripts: non-coding transcript variant (1).
Genome position (GRCh38, 1-based): chr16:58,582,837, G>T on the plus strand (C>A on the coding strand, the complement: CNOT1 is on the minus strand). VCF-style: chr16-58582837-G-T. GRCh37 (hg19) VCF-style: chr16-58616741-G-T.
Other names: c.1000C>A, p.His334Asn (NM_001265612.2, NM_206999.3); short protein forms H334N.
Identifiers: ClinVar variation 2696737 (VCV002696737.3), dbSNP rs2544084983, ClinGen allele CA396150393.